The following is an entry in ClinVar:

NM_152494.4(DCST1):c.1086C>T (p.Tyr362=)

Gene: DCST1 (DC-STAMP domain containing 1; plus strand). Cytogenetic location: 1q21.3.
Variant type: single nucleotide variant.
Coding change: c.1086C>T on transcript NM_152494.4 (MANE Select); coding-DNA position 1086, C replaced by T.
Protein change: p.Tyr362=; no amino-acid change (tyrosine 362 retained).
Molecular consequence: synonymous variant.
Genome position (GRCh38, 1-based): chr1:155,043,423, C>T. VCF-style: chr1-155043423-C-T. GRCh37 (hg19) VCF-style: chr1-155015899-C-T.
Other names: c.1011C>T, p.Tyr337= (NM_001143687.2).
Identifiers: ClinVar variation 789152 (VCV000789152.26), dbSNP rs146174361, ClinGen allele CA1136255.

ClinVar aggregate classification (germline): Benign/Likely benign. Review status: criteria provided, multiple submitters, no conflicts (2 of 4 stars). 3 submissions from 3 submitters: Benign (2); Likely benign (1). Last evaluated 2025-06-01.

Allele frequency attached by ClinVar (database versions not stated): 1000 Genomes Project 30x 0.00156; 1000 Genomes Project 0.00180; TOPMed 0.00458; ExAC 0.00463; gnomAD exomes 0.00471; gnomAD 0.00479; ESP Exome Variant Server 0.00646.
gnomAD v4.1: 12,592 of 1,611,472 alleles (0.78%); highest among the groups gnomAD compares: Non-Finnish European, 0.93%; 79 homozygotes.

Submissions (3):

CeGaT Center for Human Genetics Tuebingen
Classification: Likely benign. Last evaluated: 2025-06-01. Review status: criteria provided, single submitter. Criteria: CeGaT Center For Human Genetics Tuebingen Variant Classification Criteria Version 2. Collection method: clinical testing. Allele origin: germline. Affected: yes. Observed: 2 variant alleles.
Comment: DCST1: BP4, BP7, BS2

Labcorp Genetics (formerly Invitae), Labcorp
Classification: Benign. Last evaluated: 2017-11-17. Review status: criteria provided, single submitter. Criteria: Invitae Variant Classification Sherloc (09022015). Collection method: clinical testing. Allele origin: germline.

Breakthrough Genomics
Classification: Benign. Review status: criteria provided, single submitter. Criteria: ACMG Guidelines, 2015. Collection method: not provided. Allele origin: germline. Inheritance: Unknown mechanism. Affected: yes.